The following is an entry in ClinVar:

NM_001376.5(DYNC1H1):c.5008A>C (p.Asn1670His)

Gene: DYNC1H1 (dynein cytoplasmic 1 heavy chain 1; plus strand). Cytogenetic location: 14q32.31.
Variant type: single nucleotide variant.
Coding change: c.5008A>C on transcript NM_001376.5 (MANE Select); coding-DNA position 5008, A replaced by C.
Protein change: p.Asn1670His; replaces asparagine 1670 with histidine.
Molecular consequence: missense variant.
Genome position (GRCh38, 1-based): chr14:102,004,642, A>C. VCF-style: chr14-102004642-A-C. GRCh37 (hg19) VCF-style: chr14-102470979-A-C.
Other names: short protein forms N1670H.
Identifiers: ClinVar variation 1958726 (VCV001958726.5), dbSNP rs2503738351, ClinGen allele CA391045161.
Genomic context (GRCh38, chr14:102,004,642, plus strand): 5'-TTACAGAAACACTTCAAGAAGATGTTTGCTGGAGTTTCGAGCATCATCCTGAACGAGGAT[A>C]ACTCTGTTGTTTTGGGTATTTCATCTCGGGAAGGAGAGGAGGTAAATTTATGTTCGTAAC-3'
Protein context (NP_001367.2, residues 1660-1680): GVSSIILNED[Asn1670His]SVVLGISSRE

ClinVar aggregate classification (germline): Uncertain significance (1 of 4 stars; one submission).

Conditions:
Charcot-Marie-Tooth disease axonal type 2O. Also called: CHARCOT-MARIE-TOOTH NEUROPATHY, AXONAL, TYPE 2O; CHARCOT-MARIE-TOOTH DISEASE, AXONAL, AUTOSOMAL DOMINANT, TYPE 2O; Charcot-Marie-Tooth Neuropathy Type 2O; Charcot-Marie-Tooth disease, axonal, type 20. Identifiers: Orphanet 284232, MedGen C3280220, MONDO:0013644, OMIM 614228.

Allele frequency attached by ClinVar (database versions not stated): gnomAD exomes below 0.00001.
gnomAD v4.1: 1 of 1,614,242 alleles (0.000062%); highest among the groups gnomAD compares: East Asian, 0.0022%; no homozygotes.

Submission:

Labcorp Genetics (formerly Invitae), Labcorp
Classification: Uncertain significance for Charcot-Marie-Tooth disease axonal type 2O. Last evaluated: 2023-09-21. Review status: criteria provided, single submitter. Criteria: Invitae Variant Classification Sherloc (09022015). Collection method: clinical testing. Allele origin: germline.
Comment: This sequence change replaces asparagine, which is neutral and polar, with histidine, which is basic and polar, at codon 1670 of the DYNC1H1 protein (p.Asn1670His). In summary, the available evidence is currently insufficient to determine the role of this variant in disease. Therefore, it has been classified as a Variant of Uncertain Significance. Advanced modeling of protein sequence and biophysical properties (such as structural, functional, and spatial information, amino acid conservation, physicochemical variation, residue mobility, and thermodynamic stability) performed at Invitae indicates that this missense variant is not expected to disrupt DYNC1H1 protein function. ClinVar contains an entry for this variant (Variation ID: 1958726). This missense change has been observed in individual(s) with clinical features of DYNC1H1-related conditions (Invitae). This variant is not present in population databases (gnomAD no frequency).